The following is an entry in ClinVar:

ClinVar aggregate classification (germline): Benign. Review status: criteria provided, multiple submitters, no conflicts (2 of 4 stars). 3 submissions from 3 submitters: Benign (3). Last evaluated 2022-10-01.

Allele frequency attached by ClinVar (database versions not stated): gnomAD exomes 0.00093 and 0.00149; ExAC 0.00141; ESP Exome Variant Server 0.00142; gnomAD 0.00156 and 0.00166; TOPMed 0.00197; 1000 Genomes Project 30x 0.00297; 1000 Genomes Project 0.00300.
gnomAD v4.1: 1,623 of 1,614,212 alleles (0.1%); highest among the groups gnomAD compares: East Asian, 0.67%; 2 homozygotes.

Submissions (3):

CeGaT Center for Human Genetics Tuebingen
Classification: Benign. Last evaluated: 2022-10-01. Review status: criteria provided, single submitter. Criteria: CeGaT Center For Human Genetics Tuebingen Variant Classification Criteria Version 2. Collection method: clinical testing. Allele origin: germline. Affected: yes. Observed: 1 variant allele.
Comment: ATP2C2: BS1, BS2

Labcorp Genetics (formerly Invitae), Labcorp
Classification: Benign. Last evaluated: 2018-07-04. Review status: criteria provided, single submitter. Criteria: Invitae Variant Classification Sherloc (09022015). Collection method: clinical testing. Allele origin: germline.

Breakthrough Genomics
Classification: Benign. Review status: criteria provided, single submitter. Criteria: ACMG Guidelines, 2015. Collection method: not provided. Allele origin: germline. Inheritance: Unknown mechanism. Affected: yes.

NM_014861.4(ATP2C2):c.2226C>T (p.Ser742=)

Genes: ATP2C2 (ATPase secretory pathway Ca2+ transporting 2; plus strand), ATP2C2-AS1 (ATP2C2 antisense RNA 1; minus strand). Cytogenetic location: 16q24.1.
Variant type: single nucleotide variant.
Coding change: c.2226C>T on transcript NM_014861.4 (MANE Select); coding-DNA position 2226, C replaced by T.
Protein change: p.Ser742=; no amino-acid change (serine 742 retained).
Molecular consequence: synonymous variant. On other transcripts: non-coding transcript variant (1).
Genome position (GRCh38, 1-based): chr16:84,459,279, C>T. VCF-style: chr16-84459279-C-T. GRCh37 (hg19) VCF-style: chr16-84492885-C-T.
Other names: c.2226C>T, p.Ser742= (NM_001286527.3); c.1773C>T, p.Ser591= (NM_001291454.2).
Identifiers: ClinVar variation 721014 (VCV000721014.28), dbSNP rs144698981, ClinGen allele CA8208031.